The following is an entry in ClinVar:

NM_001267550.2(TTN):c.94332G>A (p.Trp31444Ter)

Genes: TTN (titin; minus strand), TTN-AS1 (TTN antisense RNA 1; plus strand). Cytogenetic location: 2q31.2.
Variant type: single nucleotide variant.
Coding change: c.94332G>A on transcript NM_001267550.2 (MANE Select); coding-DNA position 94332, G replaced by A.
Protein change: p.Trp31444Ter; replaces tryptophan 31444 with a stop codon.
Molecular consequence: nonsense.
Genome position (GRCh38, 1-based): chr2:178,547,193, C>T on the plus strand (G>A on the coding strand, the complement: TTN is on the minus strand). VCF-style: chr2-178547193-C-T. GRCh37 (hg19) VCF-style: chr2-179411920-C-T.
Other names: c.89409G>A, p.Trp29803Ter (NM_001256850.1); c.67137G>A, p.Trp22379Ter (NM_003319.4); c.86628G>A, p.Trp28876Ter (NM_133378.4); c.67512G>A, p.Trp22504Ter (NM_133432.3); c.67713G>A, p.Trp22571Ter (NM_133437.4); short protein forms W22504*, W22571*, W31444*, W28876*, W22379*, W29803*.
Identifiers: ClinVar variation 937964 (VCV000937964.10), dbSNP rs1697578690, ClinGen allele CA349475129.

ClinVar aggregate classification (germline): Likely pathogenic (1 of 4 stars; one submission).

Conditions:
Dilated cardiomyopathy 1G (CMD1G). Identifiers: Orphanet 154, MedGen C1858763, MONDO:0011400, OMIM 604145.
Autosomal recessive limb-girdle muscular dystrophy type 2J (LGMDR10). Also called: Limb-girdle muscular dystrophy, type 2J; MUSCULAR DYSTROPHY, LIMB-GIRDLE, AUTOSOMAL RECESSIVE 10. Identifiers: Orphanet 140922, MedGen C1837342, MONDO:0012127, OMIM 608807.

Submission:

Labcorp Genetics (formerly Invitae), Labcorp
Classification: Likely pathogenic for Dilated cardiomyopathy 1G; Autosomal recessive limb-girdle muscular dystrophy type 2J. Last evaluated: 2019-09-02. Review status: criteria provided, single submitter. Criteria: Invitae Variant Classification Sherloc (09022015). Collection method: clinical testing. Allele origin: germline.
Comment: In summary, the currently available evidence indicates that the variant is pathogenic, but additional data are needed to prove that conclusively. Therefore, this variant has been classified as Likely Pathogenic. This variant is located in the A band of TTN (PMID: 25589632). Truncating variants in this region are significantly overrepresented in patients affected with dilated cardiomyopathy (PMID: 25589632). Truncating variants in this region have also been reported in individuals affected with autosomal recessive centronuclear myopathy (PMID: 23975875). This variant has not been reported in the literature in individuals with TTN-related conditions. This variant is not present in population databases (ExAC no frequency). This sequence change results in a premature translational stop signal in the TTN gene (p.Trp31444*). While this is not anticipated to result in nonsense mediated decay, it is expected to create a truncated TTN protein.

Literature cited by the submitters: PubMed 25589632; PubMed 23975875.